The following is an entry in ClinVar:

ClinVar aggregate classification (germline): Conflicting classifications of pathogenicity. Review status: criteria provided, conflicting classifications (1 of 4 stars). 2 submissions from 2 submitters: Uncertain significance (1); Likely benign (1). Last evaluated 2025-12-14.

Allele frequency attached by ClinVar (database versions not stated): gnomAD exomes 0.00002 and 0.00005; ExAC 0.00004; 1000 Genomes Project 0.00020; gnomAD 0.00001; ESP Exome Variant Server 0.00008; 1000 Genomes Project 30x 0.00016; TOPMed below 0.00001.
gnomAD v4.1: 29 of 1,613,450 alleles (0.0018%); highest among the groups gnomAD compares: South Asian, 0.023%; no homozygotes.

Submissions (2):

Labcorp Genetics (formerly Invitae), Labcorp
Classification: Likely benign. Last evaluated: 2025-12-14. Review status: criteria provided, single submitter. Criteria: Invitae Variant Classification Sherloc (09022015). Collection method: clinical testing. Allele origin: germline.

GeneDx
Classification: Uncertain significance. Last evaluated: 2023-06-16. Review status: criteria provided, single submitter. Criteria: GeneDx Variant Classification Process June 2021. Collection method: clinical testing. Allele origin: germline. Affected: yes.
Comment: Has not been previously published as pathogenic or benign to our knowledge; In silico analysis supports that this missense variant does not alter protein structure/function

NM_000092.5(COL4A4):c.4390G>A (p.Gly1464Ser)

Gene: COL4A4 (collagen type IV alpha 4 chain; minus strand). Cytogenetic location: 2q36.3.
Variant type: single nucleotide variant.
Coding change: c.4390G>A on transcript NM_000092.5 (MANE Select); coding-DNA position 4390, G replaced by A.
Protein change: p.Gly1464Ser; replaces glycine 1464 with serine.
Molecular consequence: missense variant.
Genome position (GRCh38, 1-based): chr2:227,010,445, C>T on the plus strand (G>A on the coding strand, the complement: COL4A4 is on the minus strand). VCF-style: chr2-227010445-C-T. GRCh37 (hg19) VCF-style: chr2-227875161-C-T.
Other names: short protein forms G1464S.
Identifiers: ClinVar variation 1308416 (VCV001308416.7), dbSNP rs372558522, ClinGen allele CA2144180.